The following is an entry in ClinVar:

ClinVar aggregate classification (germline): Pathogenic/Likely pathogenic. Review status: criteria provided, multiple submitters, no conflicts (2 of 4 stars). 6 submissions from 6 submitters: Pathogenic (3); Likely pathogenic (2). 1 of the submissions does not count toward it. Last evaluated 2025-07-11.

Conditions:
Cardiovascular phenotype. Identifiers: MedGen CN230736.
Andersen Tawil syndrome (LQT7). Also called: PERIODIC PARALYSIS, POTASSIUM-SENSITIVE CARDIODYSRHYTHMIC TYPE; LONG QT SYNDROME 7; ANDERSEN CARDIODYSRHYTHMIC PERIODIC PARALYSIS; Andersen Syndrome; Potassium-sensitive periodic paralysis, ventricular ectopy, and dysmorphic features. Identifiers: Orphanet 37553, MedGen C1563715, MONDO:0008222, OMIM 170390.
Short QT syndrome type 3. Identifiers: Orphanet 51083, MedGen C1865018, MONDO:0012314, OMIM 609622.

Allele frequency attached by ClinVar (database versions not stated): gnomAD exomes below 0.00001.

Submissions (6):

Ambry Genetics
Classification: Likely pathogenic for Cardiovascular phenotype. Last evaluated: 2025-07-11. Review status: criteria provided, single submitter. Criteria: Ambry Variant Classification Scheme 2023. Collection method: clinical testing. Allele origin: germline.
Comment: The p.R312H variant (also known as c.935G>A), located in coding exon 1 of the KCNJ2 gene, results from a G to A substitution at nucleotide position 935. The arginine at codon 312 is replaced by histidine, an amino acid with highly similar properties. This variant was reported in individual(s) with features consistent with Andersen-Tawil syndrome (ATS) (Sacconi S et al. Am J Physiol Cell Physiol, 2009 Oct;297:C876-85; Delannoy E et al. Europace, 2013 Dec;15:1805-11; McLeod KA et al. Cardiol Young, 2017 Sep;27:1271-1279; Mazzanti A et al. J Am Coll Cardiol, 2020 Apr;75:1772-1784; Yuan JH et al. Front Neurol, 2023 Jan;14:1078195).). In an assay testing KCNJ2 function, this variant showed a functionally abnormal result (Zuniga D et al. FASEB J, 2024 Nov;38:e70146). This amino acid position is highly conserved in available vertebrate species. In addition, this alteration is predicted to be deleterious by in silico analysis. This variant is considered to be rare based on population cohorts in the Genome Aggregation Database (gnomAD). Based on the majority of available evidence to date, this variant is likely to be pathogenic.

Labcorp Genetics (formerly Invitae), Labcorp
Classification: Pathogenic for Short QT syndrome type 3; Andersen Tawil syndrome. Last evaluated: 2025-05-13. Review status: criteria provided, single submitter. Criteria: Invitae Variant Classification Sherloc (09022015). Collection method: clinical testing. Allele origin: germline.
Comment: This sequence change replaces arginine, which is basic and polar, with histidine, which is basic and polar, at codon 312 of the KCNJ2 protein (p.Arg312His). This variant is not present in population databases (gnomAD no frequency). This missense change has been observed in individuals with clinical features of Andersen-Tawil syndrome (PMID: 19570891, 23867365, 35460302). ClinVar contains an entry for this variant (Variation ID: 190820). Invitae Evidence Modeling of protein sequence and biophysical properties (such as structural, functional, and spatial information, amino acid conservation, physicochemical variation, residue mobility, and thermodynamic stability) indicates that this missense variant is expected to disrupt KCNJ2 protein function with a positive predictive value of 95%. This variant disrupts the p.Arg312 amino acid residue in KCNJ2. Other variant(s) that disrupt this residue have been determined to be pathogenic (PMID: 12796536, 15911703, 22806368, 25284084). This suggests that this residue is clinically significant, and that variants that disrupt this residue are likely to be disease-causing. For these reasons, this variant has been classified as Pathogenic.

Victorian Clinical Genetics Services, Murdoch Childrens Research Institute
Classification: Pathogenic for Andersen Tawil syndrome. Last evaluated: 2022-06-24. Review status: criteria provided, single submitter. Criteria: ACMG Guidelines, 2015. Collection method: clinical testing. Allele origin: germline. Inheritance: Autosomal dominant inheritance. Affected: yes.
Comment: Based on the classification scheme VCGS_Germline_v1.3.4, this variant is classified as Pathogenic. Following criteria are met: 0103 - Dominant negative, loss of function and gain of function are known mechanisms of disease in this gene. Dominant negative is associated with Andersen-Tawil Syndrome (ATS) (MIM#170390), while loss of function variants are proposed to lead to atypical ATS with isolated cardiac phenotype. Gain of function is associated with short QT syndrome 3 (MIM#609622) (GeneReviews, PMID: 24383070). (I) 0107 - This gene is associated with autosomal dominant disease. (I) 0112 - The condition associated with this gene has incomplete penetrance (GeneReviews). (I) 0115 - Variants in this gene are known to have variable expressivity (GeneReviews). (I) 0200 - Variant is predicted to result in a missense amino acid change from arginine to histidine. (I) 0251 - This variant is heterozygous. (I) 0301 - Variant is absent from gnomAD (both v2 and v3). (SP) 0309 - An alternative amino acid change at the same position has been observed in gnomAD (v2: 1 heterozygote, 0 homozygotes). (I) 0501 - Missense variant consistently predicted to be damaging by multiple in silico tools or highly conserved with a major amino acid change. (SP) 0600 - Variant is located in the annotated inward rectifier potassium channel C-terminal domain (DECIPHER). (I) 0703 - Another missense variant comparable to the one identified in this case has moderate previous evidence for pathogenicity. p.(Arg312Cys) has been identified in individuals with Andersen-Tawil Syndrome (MIM#170390) (ClinVar). (SP) 0801 - This variant has strong previous evidence of pathogenicity in unrelated individuals. It has been reported in at least five individuals with Andersen-Tawil Syndrome (MIM#170390) (ClinVar; PMID: 19570891, 23867365, 28606196). (SP) 0905 - No published segregation evidence has been identified for this variant. (I) 1002 - This variant has moderate functional evidence supporting abnormal protein function. Patch clamp studies done on patient’s cultured myoblasts demonstrated a reduction in steady state current (PMID: 19570891). (I) Legend: (SP) - Supporting pathogenic, (I) - Information, (SB) - Supporting benign

MVZ Martinsried, Medicover Genetics
Classification: Likely pathogenic for Andersen Tawil syndrome. Last evaluated: 2021-10-27. Review status: criteria provided, single submitter. Criteria: ACGS Guidelines, 2020. Collection method: clinical testing. Allele origin: unknown. Affected: yes.

GeneDx
Classification: Pathogenic. Last evaluated: 2017-12-28. Review status: criteria provided, single submitter. Criteria: GeneDx Variant Classification (06012015). Collection method: clinical testing. Allele origin: germline. Affected: yes.
Comment: The R312H pathogenic variant in the KCNJ2 gene has been reported in association with Andersen-Tawil syndrome (Sacconi et al., 2009; Delannoy et al., 2013). Sacconi et al., reported one individual with features of Andersen syndrome, including periodic paralysis prompted by hypokalemia in the context of exercise or stress and mild dysmorphic facial features. Additionally, Sacconi et al., determined the R312H variant resulted in a loss of ion channel function by in vitro studies.R312H results in a conservative amino acid substitution of Arginine at a position that is conserved across species. A missense variant in the same residue (R312C) and missense variants in nearby residues (M307I, M307V, T309I, N318S) have been reported in HGMD in association with Andersen-Tawil syndrome (Stenson et al., 2014), further supporting the functional importance of this region of the protein. Furthermore, the R312H pathogenic variant was not observed in approximately 6,500 individuals of European and African American ancestry in the NHLBI Exome Sequencing Project, indicating it is not a common benign variant in these populations.

Department of Neurology and Geriatrics, Kagoshima University Graduate School of Medical and Dental Sciences
Classification: Pathogenic for Andersen Tawil syndrome. Last evaluated: 2022-04-12. Review status: no assertion criteria provided. Collection method: research. Allele origin: germline. Affected: yes. Not counted in ClinVar's aggregate classification.

Literature cited by the submitters: PubMed 19570891 (cited by 3 submitters); PubMed 23867365 (cited by 3 submitters); PubMed 28606196 (cited by Ambry Genetics and Victorian Clinical Genetics Services, Murdoch Childrens Research Institute); PubMed 32299589 (cited by Ambry Genetics); PubMed 35460302 (cited by Ambry Genetics and Labcorp Genetics (formerly Invitae), Labcorp); PubMed 36779057 (cited by Ambry Genetics); PubMed 36986503 (cited by Ambry Genetics); PubMed 39520289 (cited by Ambry Genetics); PubMed 12796536 (cited by Labcorp Genetics (formerly Invitae), Labcorp); PubMed 15911703 (cited by Labcorp Genetics (formerly Invitae), Labcorp); PubMed 22806368 (cited by Labcorp Genetics (formerly Invitae), Labcorp); PubMed 25284084 (cited by Labcorp Genetics (formerly Invitae), Labcorp); PubMed 24383070 (cited by Victorian Clinical Genetics Services, Murdoch Childrens Research Institute).

NM_000891.3(KCNJ2):c.935G>A (p.Arg312His)

Gene: KCNJ2 (potassium inwardly rectifying channel subfamily J member 2; plus strand). Cytogenetic location: 17q24.3.
Variant type: single nucleotide variant.
Coding change: c.935G>A on transcript NM_000891.3 (MANE Select); coding-DNA position 935, G replaced by A.
Protein change: p.Arg312His; replaces arginine 312 with histidine.
Molecular consequence: missense variant.
Genome position (GRCh38, 1-based): chr17:70,175,974, G>A. VCF-style: chr17-70175974-G-A. GRCh37 (hg19) VCF-style: chr17-68172115-G-A.
Other names: p.R312H:CGT>CAT; short protein forms R312H.
Identifiers: ClinVar variation 190820 (VCV000190820.15), dbSNP rs786205820, ClinGen allele CA302070.